The following is an entry in ClinVar:

ClinVar aggregate classification (germline): Likely pathogenic (1 of 4 stars; one submission).

Submission:

Labcorp Genetics (formerly Invitae), Labcorp
Classification: Likely pathogenic. Last evaluated: 2023-12-23. Review status: criteria provided, single submitter. Criteria: Invitae Variant Classification Sherloc (09022015). Collection method: clinical testing. Allele origin: germline.
Comment: This sequence change replaces cysteine, which is neutral and slightly polar, with serine, which is neutral and polar, at codon 691 of the USH2A protein (p.Cys691Ser). This variant is not present in population databases (gnomAD no frequency). This variant has not been reported in the literature in individuals affected with USH2A-related conditions. Advanced modeling of protein sequence and biophysical properties (such as structural, functional, and spatial information, amino acid conservation, physicochemical variation, residue mobility, and thermodynamic stability) performed at Invitae indicates that this missense variant is expected to disrupt USH2A protein function with a positive predictive value of 95%. This variant disrupts the p.Cys691 amino acid residue in USH2A. Other variant(s) that disrupt this residue have been determined to be pathogenic (PMID: 25366773, 33576794). This suggests that this residue is clinically significant, and that variants that disrupt this residue are likely to be disease-causing. In summary, the currently available evidence indicates that the variant is pathogenic, but additional data are needed to prove that conclusively. Therefore, this variant has been classified as Likely Pathogenic.

Literature cited by the submitters: PubMed 25366773; PubMed 33576794.

NM_206933.4(USH2A):c.2072G>C (p.Cys691Ser)

Gene: USH2A (usherin; minus strand). Cytogenetic location: 1q41.
Variant type: single nucleotide variant.
Coding change: c.2072G>C on transcript NM_206933.4 (MANE Select); coding-DNA position 2072, G replaced by C.
Protein change: p.Cys691Ser; replaces cysteine 691 with serine.
Molecular consequence: missense variant.
Genome position (GRCh38, 1-based): chr1:216,250,998, C>G on the plus strand (G>C on the coding strand, the complement: USH2A is on the minus strand). VCF-style: chr1-216250998-C-G. GRCh37 (hg19) VCF-style: chr1-216424340-C-G.
Other names: c.2072G>C, p.Cys691Ser (NM_007123.6); short protein forms C691S.
Identifiers: ClinVar variation 2806774 (VCV002806774.3), dbSNP rs2528171806, ClinGen allele CA344866420.